The following is an entry in ClinVar:

ClinVar aggregate classification (germline): Uncertain significance. Review status: criteria provided, multiple submitters, no conflicts (2 of 4 stars). 3 submissions from 3 submitters: Uncertain significance (3). Last evaluated 2023-12-11.

Conditions:
Cardiovascular phenotype. Identifiers: MedGen CN230736.
Brugada syndrome 8 (BRGDA8). Identifiers: Orphanet 130, MedGen C2751083, MONDO:0013148, OMIM 613123.

Allele frequency attached by ClinVar (database versions not stated): 1000 Genomes Project 30x 0.00016; 1000 Genomes Project 0.00020.
gnomAD v4.1: 34 of 1,612,880 alleles (0.0021%); highest among the groups gnomAD compares: East Asian, 0.0045%; no homozygotes.

Submissions (3):

Labcorp Genetics (formerly Invitae), Labcorp
Classification: Uncertain significance for Brugada syndrome 8. Last evaluated: 2023-12-11. Review status: criteria provided, single submitter. Criteria: Invitae Variant Classification Sherloc (09022015). Collection method: clinical testing. Allele origin: germline.
Comment: This sequence change falls in intron 7 of the HCN4 gene. It does not directly change the encoded amino acid sequence of the HCN4 protein. It affects a nucleotide within the consensus splice site. This variant is present in population databases (rs547362030, gnomAD 0.006%). This variant has not been reported in the literature in individuals affected with HCN4-related conditions. ClinVar contains an entry for this variant (Variation ID: 1786612). Variants that disrupt the consensus splice site are a relatively common cause of aberrant splicing (PMID: 17576681, 9536098). Algorithms developed to predict the effect of sequence changes on RNA splicing suggest that this variant may disrupt the consensus splice site. In summary, the available evidence is currently insufficient to determine the role of this variant in disease. Therefore, it has been classified as a Variant of Uncertain Significance.

Blueprint Genetics
Classification: Uncertain significance. Last evaluated: 2023-10-04. Review status: criteria provided, single submitter. Criteria: ACMG Guidelines, 2015. Collection method: clinical testing. Allele origin: germline.

Ambry Genetics
Classification: Uncertain significance for Cardiovascular phenotype. Last evaluated: 2022-08-23. Review status: criteria provided, single submitter. Criteria: Ambry Variant Classification Scheme 2023. Collection method: clinical testing. Allele origin: germline.
Comment: The c.2143+5G>C intronic variant results from a G to C substitution 5 nucleotides after coding exon 7 in the HCN4 gene. This nucleotide position is highly conserved in available vertebrate species. In silico splice site analysis for this alteration is inconclusive. Since supporting evidence is limited at this time, the clinical significance of this alteration remains unclear.

Literature cited by the submitters: PubMed 17576681 (cited by Labcorp Genetics (formerly Invitae), Labcorp); PubMed 9536098 (cited by Labcorp Genetics (formerly Invitae), Labcorp).

NM_005477.3(HCN4):c.2143+5G>C

Gene: HCN4 (hyperpolarization activated cyclic nucleotide gated potassium channel 4; minus strand). Cytogenetic location: 15q24.1.
Variant type: single nucleotide variant.
Coding change: c.2143+5G>C on transcript NM_005477.3 (MANE Select); 5 bases into the intron after coding-DNA position 2143, G replaced by C.
Molecular consequence: intron variant.
Genome position (GRCh38, 1-based): chr15:73,324,084, C>G on the plus strand (G>C on the coding strand, the complement: HCN4 is on the minus strand). VCF-style: chr15-73324084-C-G. GRCh37 (hg19) VCF-style: chr15-73616425-C-G.
Identifiers: ClinVar variation 1786612 (VCV001786612.8), dbSNP rs547362030, ClinGen allele CA7649118.